The following is an entry in ClinVar:

NM_012281.3(KCND2):c.628G>A (p.Gly210Arg)

Gene: KCND2 (potassium voltage-gated channel subfamily D member 2; plus strand). Cytogenetic location: 7q31.31.
Variant type: single nucleotide variant.
Coding change: c.628G>A on transcript NM_012281.3 (MANE Select); coding-DNA position 628, G replaced by A.
Protein change: p.Gly210Arg; replaces glycine 210 with arginine.
Molecular consequence: missense variant.
Genome position (GRCh38, 1-based): chr7:120,275,260, G>A. VCF-style: chr7-120275260-G-A. GRCh37 (hg19) VCF-style: chr7-119915314-G-A.
Other names: short protein forms G210R.
Identifiers: ClinVar variation 2502458 (VCV002502458.4), dbSNP rs2116243396, ClinGen allele CA369132034.

ClinVar aggregate classification (germline): Uncertain significance. Review status: criteria provided, multiple submitters, no conflicts (2 of 4 stars). 2 submissions from 2 submitters: Uncertain significance (2). Last evaluated 2023-04-01.

Conditions:
Early Myoclonic Encephalopathy. Identifiers: MedGen C0270855.

Allele frequency attached by ClinVar (database versions not stated): gnomAD exomes below 0.00001.
gnomAD v4.1: 2 of 1,613,936 alleles (0.00012%); highest among the groups gnomAD compares: Non-Finnish European, 0.00017%; no homozygotes.

Submissions (2):

Labcorp Genetics (formerly Invitae), Labcorp
Classification: Uncertain significance for Early Myoclonic Encephalopathy. Last evaluated: 2023-04-01. Review status: criteria provided, single submitter. Criteria: Invitae Variant Classification Sherloc (09022015). Collection method: clinical testing. Allele origin: germline.
Comment: This sequence change replaces glycine, which is neutral and non-polar, with arginine, which is basic and polar, at codon 210 of the KCND2 protein (p.Gly210Arg). This variant is not present in population databases (gnomAD no frequency). This variant has not been reported in the literature in individuals affected with KCND2-related conditions. Advanced modeling of protein sequence and biophysical properties (such as structural, functional, and spatial information, amino acid conservation, physicochemical variation, residue mobility, and thermodynamic stability) performed at Invitae indicates that this missense variant is not expected to disrupt KCND2 protein function. In summary, the available evidence is currently insufficient to determine the role of this variant in disease. Therefore, it has been classified as a Variant of Uncertain Significance.

GeneDx
Classification: Uncertain significance. Last evaluated: 2022-11-16. Review status: criteria provided, single submitter. Criteria: GeneDx Variant Classification Process June 2021. Collection method: clinical testing. Allele origin: germline. Affected: yes.
Comment: Not observed at significant frequency in large population cohorts (gnomAD); In silico analysis supports that this missense variant has a deleterious effect on protein structure/function; Has not been previously published as pathogenic or benign to our knowledge